The following is an entry in ClinVar:

NM_021116.4(ADCY1):c.2881G>A (p.Val961Ile)

Gene: ADCY1 (adenylate cyclase 1; plus strand). Cytogenetic location: 7p12.3.
Variant type: single nucleotide variant.
Coding change: c.2881G>A on transcript NM_021116.4 (MANE Select); coding-DNA position 2881, G replaced by A.
Protein change: p.Val961Ile; replaces valine 961 with isoleucine.
Molecular consequence: missense variant.
Genome position (GRCh38, 1-based): chr7:45,708,413, G>A. VCF-style: chr7-45708413-G-A. GRCh37 (hg19) VCF-style: chr7-45748012-G-A.
Other names: c.2881G>A (NM_021116.2); short protein forms V961I.
Identifiers: ClinVar variation 1357851 (VCV001357851.7), dbSNP rs373406969, ClinGen allele CA4249385.

ClinVar aggregate classification (germline): Uncertain significance. Review status: criteria provided, multiple submitters, no conflicts (2 of 4 stars). 2 submissions from 2 submitters: Uncertain significance (2). Last evaluated 2024-12-24.

Conditions:
Inborn genetic diseases. Identifiers: MedGen C0950123, MeSH D030342.

Allele frequency attached by ClinVar (database versions not stated): ExAC 0.00007; ESP Exome Variant Server 0.00008; gnomAD 0.00011; TOPMed 0.00012.
gnomAD v4.1: 115 of 1,614,054 alleles (0.0071%); highest among the groups gnomAD compares: Non-Finnish European, 0.0086%; no homozygotes.

Submissions (2):

Ambry Genetics
Classification: Uncertain significance for Inborn genetic diseases. Last evaluated: 2024-12-24. Review status: criteria provided, single submitter. Criteria: Ambry Variant Classification Scheme 2023. Collection method: clinical testing. Allele origin: germline.

Labcorp Genetics (formerly Invitae), Labcorp
Classification: Uncertain significance. Last evaluated: 2021-10-27. Review status: criteria provided, single submitter. Criteria: Invitae Variant Classification Sherloc (09022015). Collection method: clinical testing. Allele origin: germline.
Comment: This variant has not been reported in the literature in individuals affected with ADCY1-related conditions. In summary, the available evidence is currently insufficient to determine the role of this variant in disease. Therefore, it has been classified as a Variant of Uncertain Significance. Algorithms developed to predict the effect of missense changes on protein structure and function (SIFT, PolyPhen-2, Align-GVGD) all suggest that this variant is likely to be disruptive. This variant is present in population databases (rs373406969, gnomAD 0.02%). This sequence change replaces valine, which is neutral and non-polar, with isoleucine, which is neutral and non-polar, at codon 961 of the ADCY1 protein (p.Val961Ile).